The following is an entry in ClinVar:

ClinVar aggregate classification (germline): Conflicting classifications of pathogenicity. Review status: criteria provided, conflicting classifications (1 of 4 stars). 3 submissions from 3 submitters: Uncertain significance (1); Benign (1); Likely benign (1). Last evaluated 2025-05-20.

Conditions:
Inborn genetic diseases. Identifiers: MedGen C0950123, MeSH D030342.
Kabuki syndrome. Also called: Kabuki make-up syndrome; NIIKAWA-KUROKI SYNDROME. Identifiers: Orphanet 2322, MedGen C0796004, MONDO:0016512.

Allele frequency attached by ClinVar (database versions not stated): gnomAD exomes 0.00001.

Submissions (3):

Ambry Genetics
Classification: Likely benign for Inborn genetic diseases. Last evaluated: 2025-05-20. Review status: criteria provided, single submitter. Criteria: Ambry Variant Classification Scheme 2023. Collection method: clinical testing. Allele origin: germline.

GeneDx
Classification: Uncertain significance. Last evaluated: 2024-09-04. Review status: criteria provided, single submitter. Criteria: GeneDx Variant Classification Process June 2021. Collection method: clinical testing. Allele origin: germline. Affected: yes.
Comment: In silico analysis indicates that this missense variant does not alter protein structure/function; Has not been previously published as pathogenic or benign to our knowledge

Labcorp Genetics (formerly Invitae), Labcorp
Classification: Benign for Kabuki syndrome. Last evaluated: 2022-12-06. Review status: criteria provided, single submitter. Criteria: Invitae Variant Classification Sherloc (09022015). Collection method: clinical testing. Allele origin: germline.

NM_003482.4(KMT2D):c.2596A>G (p.Lys866Glu)

Gene: KMT2D (lysine methyltransferase 2D; minus strand). Cytogenetic location: 12q13.12.
Variant type: single nucleotide variant.
Coding change: c.2596A>G on transcript NM_003482.4 (MANE Select); coding-DNA position 2596, A replaced by G.
Protein change: p.Lys866Glu; replaces lysine 866 with glutamic acid.
Molecular consequence: missense variant.
Genome position (GRCh38, 1-based): chr12:49,051,087, T>C on the plus strand (A>G on the coding strand, the complement: KMT2D is on the minus strand). VCF-style: chr12-49051087-T-C. GRCh37 (hg19) VCF-style: chr12-49444870-T-C.
Other names: c.2596A>G (NM_003482.3); short protein forms K866E.
Identifiers: ClinVar variation 1360557 (VCV001360557.10), dbSNP rs1487349760, ClinGen allele CA384665486.